The following is an entry in ClinVar:

NM_181861.2(APAF1):c.3347T>C (p.Leu1116Pro)

Gene: APAF1 (apoptotic peptidase activating factor 1; plus strand). Cytogenetic location: 12q23.1.
Variant type: single nucleotide variant.
Coding change: c.3347T>C on transcript NM_181861.2 (MANE Select); coding-DNA position 3347, T replaced by C.
Protein change: p.Leu1116Pro; replaces leucine 1116 with proline.
Molecular consequence: missense variant. On other transcripts: intron variant (1).
Genome position (GRCh38, 1-based): chr12:98,725,431, T>C. VCF-style: chr12-98725431-T-C. GRCh37 (hg19) VCF-style: chr12-99119209-T-C.
Other names: c.3185T>C, p.Leu1062Pro (NM_001160.3); c.3314T>C, p.Leu1105Pro (NM_013229.3); c.3218T>C, p.Leu1073Pro (NM_181868.2); c.956-6989T>C (NM_181869.2); short protein forms L1062P, L1073P, L1105P, L1116P.
Identifiers: ClinVar variation 719386 (VCV000719386.5), dbSNP rs138188210, ClinGen allele CA6734515.

ClinVar aggregate classification (germline): Likely benign. Review status: criteria provided, single submitter (1 of 4 stars). 2 submissions from 2 submitters: Likely benign (1). 1 of the submissions does not count toward it. Last evaluated 2018-07-23.

Conditions:
APAF1-related disorder. Also called: APAF1-related condition.

Allele frequency attached by ClinVar (database versions not stated): gnomAD 0.00129 and 0.00126; 1000 Genomes Project 0.00140; TOPMed 0.00158; ESP Exome Variant Server 0.00115; 1000 Genomes Project 30x 0.00141; ExAC 0.00166.
gnomAD v4.1: 2,893 of 1,614,136 alleles (0.18%); highest among the groups gnomAD compares: Non-Finnish European, 0.22%; 1 homozygote.

Submissions (2):

Labcorp Genetics (formerly Invitae), Labcorp
Classification: Likely benign. Last evaluated: 2018-07-23. Review status: criteria provided, single submitter. Criteria: Invitae Variant Classification Sherloc (09022015). Collection method: clinical testing. Allele origin: germline.

PreventionGenetics, part of Exact Sciences
Classification: Likely benign for APAF1-related condition. Last evaluated: 2019-07-19. Review status: no assertion criteria provided. Collection method: clinical testing. Allele origin: germline. Not counted in ClinVar's aggregate classification.
Comment: This variant is classified as likely benign based on ACMG/AMP sequence variant interpretation guidelines (Richards et al. 2015 PMID: 25741868, with internal and published modifications).